The following is an entry in ClinVar:

NM_002692.4(POLE2):c.191G>T (p.Arg64Leu)

Gene: POLE2 (DNA polymerase epsilon 2, accessory subunit; minus strand). Cytogenetic location: 14q21.3.
Variant type: single nucleotide variant.
Coding change: c.191G>T on transcript NM_002692.4 (MANE Select); coding-DNA position 191, G replaced by T.
Protein change: p.Arg64Leu; replaces arginine 64 with leucine.
Molecular consequence: missense variant. On other transcripts: 5 prime UTR variant (1).
Genome position (GRCh38, 1-based): chr14:49,679,779, C>A on the plus strand (G>T on the coding strand, the complement: POLE2 is on the minus strand). VCF-style: chr14-49679779-C-A. GRCh37 (hg19) VCF-style: chr14-50146497-C-A.
Other names: c.191G>T, p.Arg64Leu (NM_001197330.2, NM_001197331.3, NM_001348384.2); c.-45G>T (NM_001348385.2); short protein forms R64L.
Identifiers: ClinVar variation 2798681 (VCV002798681.3), dbSNP rs537941310, ClinGen allele CA389615161.

ClinVar aggregate classification (germline): Uncertain significance (1 of 4 stars; one submission).

gnomAD v4.1: 5 of 1,600,780 alleles (0.00031%); highest among the groups gnomAD compares: Non-Finnish European, 0.00034%; no homozygotes.

Submission:

Labcorp Genetics (formerly Invitae), Labcorp
Classification: Uncertain significance. Last evaluated: 2023-12-09. Review status: criteria provided, single submitter. Criteria: Invitae Variant Classification Sherloc (09022015). Collection method: clinical testing. Allele origin: germline.
Comment: This sequence change replaces arginine, which is basic and polar, with leucine, which is neutral and non-polar, at codon 64 of the POLE2 protein (p.Arg64Leu). This variant is not present in population databases (gnomAD no frequency). This variant has not been reported in the literature in individuals affected with POLE2-related conditions. An algorithm developed to predict the effect of missense changes on protein structure and function (PolyPhen-2) suggests that this variant is likely to be tolerated. In summary, the available evidence is currently insufficient to determine the role of this variant in disease. Therefore, it has been classified as a Variant of Uncertain Significance.